The following is an entry in ClinVar:

NM_000195.5(HPS1):c.1858-5C>T

Gene: HPS1 (HPS1 biogenesis of lysosomal organelles complex 3 subunit 1; minus strand). Cytogenetic location: 10q24.2.
Variant type: single nucleotide variant.
Coding change: c.1858-5C>T on transcript NM_000195.5 (MANE Select); 5 bases into the intron before coding-DNA position 1858, C replaced by T.
Molecular consequence: intron variant.
Genome position (GRCh38, 1-based): chr10:98,418,262, G>A on the plus strand (C>T on the coding strand, the complement: HPS1 is on the minus strand). VCF-style: chr10-98418262-G-A. GRCh37 (hg19) VCF-style: chr10-100178019-G-A.
Other names: c.1489-5C>T (NM_001322483.2, NM_001322484.2); c.1597-5C>T (NM_001322480.2, NM_001322481.2); c.1759-5C>T (NM_001322478.2, NM_001322479.2); c.1858-5C>T (NM_001322476.2, NM_001322477.2, NM_000195.4); c.1390-5C>T (NM_001322485.2); c.1498-5C>T (NM_001322482.2); c.886-5C>T (NM_001322489.2, NM_001311345.2, NM_001322487.2).
Identifiers: ClinVar variation 1672735 (VCV001672735.10), dbSNP rs371601664, ClinGen allele CA212758295.

ClinVar aggregate classification (germline): Likely benign. Review status: criteria provided, single submitter (1 of 4 stars). 2 submissions from 2 submitters: Likely benign (1). 1 of the submissions does not count toward it. Last evaluated 2026-01-24.

Conditions:
HPS1-related disorder. Also called: HPS1-related condition.

Allele frequency attached by ClinVar (database versions not stated): gnomAD exomes below 0.00001; gnomAD 0.00001; TOPMed 0.00001; ESP Exome Variant Server 0.00008.
gnomAD v4.1: 6 of 1,593,476 alleles (0.00038%); highest among the groups gnomAD compares: African/African-American, 0.0067%; no homozygotes.

Submissions (2):

Labcorp Genetics (formerly Invitae), Labcorp
Classification: Likely benign. Last evaluated: 2026-01-24. Review status: criteria provided, single submitter. Criteria: Invitae Variant Classification Sherloc (09022015). Collection method: clinical testing. Allele origin: germline.

PreventionGenetics, part of Exact Sciences
Classification: Likely benign for HPS1-related condition. Last evaluated: 2023-09-19. Review status: no assertion criteria provided. Collection method: clinical testing. Allele origin: germline. Not counted in ClinVar's aggregate classification.
Comment: This variant is classified as likely benign based on ACMG/AMP sequence variant interpretation guidelines (Richards et al. 2015 PMID: 25741868, with internal and published modifications).